The following is an entry in ClinVar:

ClinVar aggregate classification (germline): Uncertain significance. Review status: criteria provided, multiple submitters, no conflicts (2 of 4 stars). 2 submissions from 2 submitters: Uncertain significance (2). Last evaluated 2026-04-21.

Conditions:
Gorlin syndrome. Also called: Basal cell nevus syndrome; Nevoid Basal Cell Carcinoma Syndrome. Identifiers: Orphanet 377, MedGen C0004779, MONDO:0007187.
Hereditary cancer-predisposing syndrome. Also called: Tumor predisposition; Hereditary Cancer Syndrome; Neoplastic Syndromes, Hereditary; Hereditary neoplastic syndrome. Identifiers: Orphanet 140162, MedGen C0027672, MeSH D009386, MONDO:0015356.

Allele frequency attached by ClinVar (database versions not stated): gnomAD exomes 0.00001 and 0.00002; ExAC 0.00001; TOPMed 0.00001.

Submissions (2):

Ambry Genetics
Classification: Uncertain significance for Hereditary cancer-predisposing syndrome. Last evaluated: 2026-04-21. Review status: criteria provided, single submitter. Criteria: Ambry Variant Classification Scheme 2023. Collection method: clinical testing. Allele origin: germline.
Comment: The p.A357T variant (also known as c.1069G>A), located in coding exon 8 of the PTCH1 gene, results from a G to A substitution at nucleotide position 1069. The alanine at codon 357 is replaced by threonine, an amino acid with similar properties. This variant was detected as heterozygous in individuals with no reported features of PTCH1-related nevoid basal cell carcinoma syndrome (Ambry internal data). This amino acid position is highly conserved in available vertebrate species. In addition, this alteration is predicted to be deleterious by in silico analysis. Since supporting evidence is limited at this time, the clinical significance of this alteration remains unclear.

Labcorp Genetics (formerly Invitae), Labcorp
Classification: Uncertain significance for Gorlin syndrome. Last evaluated: 2025-04-21. Review status: criteria provided, single submitter. Criteria: Invitae Variant Classification Sherloc (09022015). Collection method: clinical testing. Allele origin: germline.
Comment: This sequence change replaces alanine, which is neutral and non-polar, with threonine, which is neutral and polar, at codon 357 of the PTCH1 protein (p.Ala357Thr). This variant is present in population databases (rs779204091, gnomAD 0.006%). This variant has not been reported in the literature in individuals affected with PTCH1-related conditions. ClinVar contains an entry for this variant (Variation ID: 571865). Invitae Evidence Modeling of protein sequence and biophysical properties (such as structural, functional, and spatial information, amino acid conservation, physicochemical variation, residue mobility, and thermodynamic stability) has been performed for this missense variant. However, the output from this modeling did not meet the statistical confidence thresholds required to predict the impact of this variant on PTCH1 protein function. In summary, the available evidence is currently insufficient to determine the role of this variant in disease. Therefore, it has been classified as a Variant of Uncertain Significance.

NM_000264.5(PTCH1):c.1069G>A (p.Ala357Thr)

Gene: PTCH1 (patched 1; minus strand). Cytogenetic location: 9q22.32.
Variant type: single nucleotide variant.
Coding change: c.1069G>A on transcript NM_000264.5 (MANE Select); coding-DNA position 1069, G replaced by A.
Protein change: p.Ala357Thr; replaces alanine 357 with threonine.
Molecular consequence: missense variant. On other transcripts: non-coding transcript variant (1).
Genome position (GRCh38, 1-based): chr9:95,479,146, C>T on the plus strand (G>A on the coding strand, the complement: PTCH1 is on the minus strand). VCF-style: chr9-95479146-C-T. GRCh37 (hg19) VCF-style: chr9-98241428-C-T.
Other names: c.871G>A, p.Ala291Thr (NM_001083602.3); c.1066G>A, p.Ala356Thr (NM_001083603.3); c.616G>A, p.Ala206Thr (NM_001083604.3, NM_001083605.3, NM_001083606.3 and 1 more transcripts); c.1069G>A, p.Ala357Thr (NM_001354918.2); short protein forms A291T, A357T, A356T, A206T.
Identifiers: ClinVar variation 571865 (VCV000571865.11), dbSNP rs779204091, ClinGen allele CA5138763.